The following is an entry in ClinVar:

NM_000030.3(AGXT):c.2_3delinsAT (p.Met1Asn)

Gene: AGXT (alanine--glyoxylate aminotransferase; plus strand). Cytogenetic location: 2q37.3.
Variant type: Indel.
Coding change: c.2_3delinsAT on transcript NM_000030.3 (MANE Select); coding-DNA positions 2 to 3, TG replaced by AT.
Protein change: p.Met1Asn; changes the start codon (methionine 1).
Molecular consequence: missense variant, initiator codon variant.
Genome position (GRCh38, 1-based): chr2:240,868,867-240,868,868, TG replaced by AT. VCF-style: chr2-240868867-TG-AT. GRCh37 (hg19) VCF-style: chr2-241808284-TG-AT.
Other names: c.2_3delTGinsAT (NM_000030.2); short protein forms M1N.
Identifiers: ClinVar variation 204172 (VCV000204172.13), dbSNP rs180177194, ClinGen allele CA275812.

ClinVar aggregate classification (germline): Pathogenic. Review status: criteria provided, multiple submitters, no conflicts (2 of 4 stars). 4 submissions from 4 submitters: Pathogenic (3). 1 of the submissions does not count toward it. Last evaluated 2024-07-29.

Conditions:
Primary hyperoxaluria, type I (HP1). Also called: GLYCOLIC ACIDURIA; HEPATIC AGT DEFICIENCY; OXALOSIS I; Primary hyperoxaluria type 1. Identifiers: Orphanet 416, Orphanet 93598, MedGen C0268164, MONDO:0009823, OMIM 259900. Disease mechanism: loss of function.

Submissions (4):

Natera, Inc.
Classification: Pathogenic for Primary hyperoxaluria type I. Last evaluated: 2024-07-29. Review status: criteria provided, single submitter. Criteria: Natera Variant Classification Schema (03/2026). Collection method: clinical testing. Allele origin: germline.
Comment: The c.2_3delTGinsAT variant in AGXT is predicted to result in start loss due to disruption of the initiator methionine. This variant is expected to result in nonsense mediated decay, truncation, or a dysfunctional protein product. This variant is rare in the general population with a frequency below the threshold expected for the associated phenotype(s). This variant has been observed in one or more individuals affected with the associated recessive disease, as either homozygous or compound heterozygous with a second variant (PMID: 29456205, 25629080). Additionally, this variant has been observed to segregate in affected family members (PMID: 29456205). Given the available evidence, this variant is classified as Pathogenic.

Labcorp Genetics (formerly Invitae), Labcorp
Classification: Pathogenic. Last evaluated: 2023-09-06. Review status: criteria provided, single submitter. Criteria: Invitae Variant Classification Sherloc (09022015). Collection method: clinical testing. Allele origin: germline.
Comment: ClinVar contains an entry for this variant (Variation ID: 204172). Disruption of the initiator codon has been observed in individuals with hyperoxaluria (PMID: 15365967, 29456205). Information on the frequency of this variant in the gnomAD database is not available, as this variant may be reported differently in the database. This sequence change affects the initiator methionine of the AGXT mRNA. The next in-frame methionine is located at codon 38. Algorithms developed to predict the effect of variants on protein structure and function are not available or were not evaluated for this variant. For these reasons, this variant has been classified as Pathogenic. This variant disrupts the p.Arg36 amino acid residue in AGXT. Other variant(s) that disrupt this residue have been determined to be pathogenic (PMID: 29110180, 30341509). This suggests that this residue is clinically significant, and that variants that disrupt this residue are likely to be disease-causing. Experimental studies have shown that disruption of the initiator codon affects AGXT function (PMID: 17495019).

Fulgent Genetics
Classification: Pathogenic for Primary hyperoxaluria, type I. Last evaluated: 2022-02-01. Review status: criteria provided, single submitter. Criteria: ACMG Guidelines, 2015. Collection method: clinical testing. Allele origin: unknown.

Clinical Biochemistry Laboratory, Health Services Laboratory
Classification: Pathogenic for Primary hyperoxaluria, type I. Last evaluated: 2014-11-27. Review status: no assertion criteria provided. Collection method: in vitro. Allele origin: germline. Affected: yes. Not counted in ClinVar's aggregate classification.

Literature cited by the submitters: PubMed 29456205 (cited by Natera, Inc. and Labcorp Genetics (formerly Invitae), Labcorp); PubMed 25629080 (cited by Natera, Inc.); PubMed 15365967 (cited by Labcorp Genetics (formerly Invitae), Labcorp); PubMed 29110180 (cited by Labcorp Genetics (formerly Invitae), Labcorp); PubMed 30341509 (cited by Labcorp Genetics (formerly Invitae), Labcorp); PubMed 17495019 (cited by Labcorp Genetics (formerly Invitae), Labcorp and Clinical Biochemistry Laboratory, Health Services Laboratory).